The following is an entry in ClinVar:

NM_006227.4(PLTP):c.100+4A>C

Gene: PLTP (phospholipid transfer protein; minus strand). Cytogenetic location: 20q13.12.
Variant type: single nucleotide variant.
Coding change: c.100+4A>C on transcript NM_006227.4 (MANE Select); 4 bases into the intron after coding-DNA position 100, A replaced by C.
Molecular consequence: intron variant.
Genome position (GRCh38, 1-based): chr20:45,911,349, T>G on the plus strand (A>C on the coding strand, the complement: PLTP is on the minus strand). VCF-style: chr20-45911349-T-G. GRCh37 (hg19) VCF-style: chr20-44539988-T-G.
Other names: c.100+4A>C (NM_001242920.2, NM_182676.3).
Identifiers: ClinVar variation 4803803 (VCV004803803.1).

ClinVar aggregate classification (germline): Uncertain significance (1 of 4 stars; one submission).

gnomAD v4.1: 1 of 1,613,362 alleles (0.000062%); highest among the groups gnomAD compares: South Asian, 0.0011%; no homozygotes.

Submission:

Labcorp Genetics (formerly Invitae), Labcorp
Classification: Uncertain significance. Last evaluated: 2025-05-17. Review status: criteria provided, single submitter. Criteria: Invitae Variant Classification Sherloc (09022015). Collection method: clinical testing. Allele origin: germline.
Comment: This sequence change falls in intron 2 of the PLTP gene. It does not directly change the encoded amino acid sequence of the PLTP protein. It affects a nucleotide within the consensus splice site. This variant is not present in population databases (gnomAD no frequency). This variant has not been reported in the literature in individuals affected with PLTP-related conditions. Variants that disrupt the consensus splice site are a relatively common cause of aberrant splicing (PMID: 17576681, 9536098). Algorithms developed to predict the effect of sequence changes on RNA splicing suggest that this variant is not likely to affect RNA splicing. In summary, the available evidence is currently insufficient to determine the role of this variant in disease. Therefore, it has been classified as a Variant of Uncertain Significance.

Literature cited by the submitters: PubMed 17576681; PubMed 9536098.